The following is an entry in ClinVar:

ClinVar aggregate classification (germline): Uncertain significance (1 of 4 stars; one submission).

Conditions:
Cohen syndrome (COH1). Also called: Cutis verticis gyrata, retinitis pigmentosa, and sensorineural deafness; PEPPER SYNDROME. Identifiers: Orphanet 193, MedGen C0265223, MONDO:0008999, OMIM 216550.

Submission:

Labcorp Genetics (formerly Invitae), Labcorp
Classification: Uncertain significance for Cohen syndrome. Last evaluated: 2022-03-18. Review status: criteria provided, single submitter. Criteria: Invitae Variant Classification Sherloc (09022015). Collection method: clinical testing. Allele origin: germline.
Comment: This sequence change replaces leucine, which is neutral and non-polar, with arginine, which is basic and polar, at codon 1225 of the VPS13B protein (p.Leu1225Arg). This variant is not present in population databases (gnomAD no frequency). This variant has not been reported in the literature in individuals affected with VPS13B-related conditions. Algorithms developed to predict the effect of missense changes on protein structure and function are either unavailable or do not agree on the potential impact of this missense change (SIFT: "Not Available"; PolyPhen-2: "Probably Damaging"; Align-GVGD: "Not Available"). In summary, the available evidence is currently insufficient to determine the role of this variant in disease. Therefore, it has been classified as a Variant of Uncertain Significance.

NM_152564.5(VPS13B):c.3674T>G (p.Leu1225Arg)

Gene: VPS13B (vacuolar protein sorting 13 homolog B; plus strand). Cytogenetic location: 8q22.2.
Variant type: single nucleotide variant.
Coding change: c.3674T>G on transcript NM_152564.5 (MANE Select); coding-DNA position 3674, T replaced by G.
Protein change: p.Leu1225Arg; replaces leucine 1225 with arginine.
Molecular consequence: missense variant.
Genome position (GRCh38, 1-based): chr8:99,481,606, T>G. VCF-style: chr8-99481606-T-G. GRCh37 (hg19) VCF-style: chr8-100493834-T-G.
Other names: c.3674T>G, p.Leu1225Arg (NM_017890.5); short protein forms L1225R.
Identifiers: ClinVar variation 2113799 (VCV002113799.4), dbSNP rs2490354204, ClinGen allele CA371866650.